The following is an entry in ClinVar:

ClinVar aggregate classification (germline): Uncertain significance (1 of 4 stars; one submission).

Conditions:
Dyskeratosis congenita, autosomal dominant 2. Identifiers: MedGen C3151443, MONDO:0013521, OMIM 613989.
Idiopathic Pulmonary Fibrosis. Also called: Idiopathic fibrosing alveolitis, chronic form; idiopathic fibrosing alveolitis. Identifiers: Orphanet 2032, MedGen C1800706, MeSH D054990, MONDO:0800504.

Submission:

Labcorp Genetics (formerly Invitae), Labcorp
Classification: Uncertain significance for Dyskeratosis congenita, autosomal dominant 2; Idiopathic Pulmonary Fibrosis. Last evaluated: 2021-08-29. Review status: criteria provided, single submitter. Criteria: Invitae Variant Classification Sherloc (09022015). Collection method: clinical testing. Allele origin: germline.
Comment: In summary, the available evidence is currently insufficient to determine the role of this variant in disease. Therefore, it has been classified as a Variant of Uncertain Significance. Advanced modeling of protein sequence and biophysical properties (such as structural, functional, and spatial information, amino acid conservation, physicochemical variation, residue mobility, and thermodynamic stability) performed at Invitae indicates that this missense variant is expected to disrupt TERT protein function. This variant has not been reported in the literature in individuals affected with TERT-related conditions. This variant is not present in population databases (ExAC no frequency). This sequence change replaces proline with serine at codon 404 of the TERT protein (p.Pro404Ser). The proline residue is moderately conserved and there is a moderate physicochemical difference between proline and serine.

NM_198253.3(TERT):c.1210C>T (p.Pro404Ser)

Gene: TERT (telomerase reverse transcriptase; minus strand). Cytogenetic location: 5p15.33.
Variant type: single nucleotide variant.
Coding change: c.1210C>T on transcript NM_198253.3 (MANE Select); coding-DNA position 1210, C replaced by T.
Protein change: p.Pro404Ser; replaces proline 404 with serine.
Molecular consequence: missense variant. On other transcripts: non-coding transcript variant (2).
Genome position (GRCh38, 1-based): chr5:1,293,676, G>A on the plus strand (C>T on the coding strand, the complement: TERT is on the minus strand). VCF-style: chr5-1293676-G-A. GRCh37 (hg19) VCF-style: chr5-1293791-G-A.
Other names: c.1210C>T, p.Pro404Ser (NM_001193376.3); short protein forms P404S.
Identifiers: ClinVar variation 1357248 (VCV001357248.6), dbSNP rs1561213668, ClinGen allele CA359086529.